The following is an entry in ClinVar:

NM_018906.3(PCDHA3):c.1110T>C (p.Ala370=)

Genes: PCDHA1 (protocadherin alpha 1; plus strand), PCDHA2 (protocadherin alpha 2; plus strand), PCDHA3 (protocadherin alpha 3; plus strand), PCDHA@ (protocadherin alpha cluster, complex locus; plus strand). Cytogenetic location: 5q31.3.
Variant type: single nucleotide variant.
Coding change: c.1110T>C on transcript NM_018906.3 (MANE Select); coding-DNA position 1110, T replaced by C.
Protein change: p.Ala370=; no amino-acid change (alanine 370 retained).
Molecular consequence: synonymous variant. On other transcripts: intron variant (4).
Genome position (GRCh38, 1-based): chr5:140,802,307, T>C. VCF-style: chr5-140802307-T-C. GRCh37 (hg19) VCF-style: chr5-140181892-T-C.
Other names: c.1110T>C, p.Ala370= (NM_031497.2); c.2394+13623T>C (NM_018900.4); c.1602+14415T>C (NM_031411.3); c.2388+4955T>C (NM_018905.3); c.2389-2753T>C (NM_031496.2).
Identifiers: ClinVar variation 3058961 (VCV003058961.2), dbSNP rs3733707, ClinGen allele CA3446412.
Genomic context (GRCh38, chr5:140,802,307, plus strand): 5'-AGTTATTCAATCACTATCTTTACCTGTATTAGAAGACTCTCCACTTAGCACAGTCATCGC[T>C]CTGATCAGCGTGTCCGACCGCGACTCAGGAGTCAATGGACAGGTCACCTGCTCGCTGACG-3'
Protein context (NP_061729.1, residues 360-380): LEDSPLSTVI[Ala370=]LISVSDRDSG

ClinVar aggregate classification (germline): Benign (0 of 4 stars; one submission).

Conditions:
PCDHA3-related disorder. Also called: PCDHA3-related condition.

Allele frequency attached by ClinVar (database versions not stated): 1000 Genomes Project 30x 0.60587; ESP Exome Variant Server 0.59711; 1000 Genomes Project 0.60124; TOPMed 0.60266.
gnomAD v4.1: 871,125 of 1,614,014 alleles (54%); highest among the groups gnomAD compares: African/African-American, 73%; 237,206 homozygotes.

Submission:

PreventionGenetics, part of Exact Sciences
Classification: Benign for PCDHA3-related condition. Last evaluated: 2019-10-17. Review status: no assertion criteria provided. Collection method: clinical testing. Allele origin: germline.
Comment: This variant is classified as benign based on ACMG/AMP sequence variant interpretation guidelines (Richards et al. 2015 PMID: 25741868, with internal and published modifications).